The following is an entry in ClinVar:

ClinVar aggregate classification (germline): Uncertain significance (1 of 4 stars; one submission).

Conditions:
Hereditary cancer-predisposing syndrome. Also called: Hereditary Cancer Syndrome; Hereditary neoplastic syndrome; Neoplastic Syndromes, Hereditary; Tumor predisposition. Identifiers: Orphanet 140162, MedGen C0027672, MeSH D009386, MONDO:0015356.

Submission:

Ambry Genetics
Classification: Uncertain significance for Hereditary cancer-predisposing syndrome. Last evaluated: 2021-04-07. Review status: criteria provided, single submitter. Criteria: Ambry Autosomal Dominant and X-Linked criteria (3/2021). Collection method: clinical testing. Allele origin: germline. Observed: 1 variant allele.
Comment: The EX6_14dup gross duplication spans coding exons 6 through 14 in the PMS2 gene; however, the exact breakpoints of the duplication were not determined. This duplication has been confirmed in tandem in at least one proband; however, the impact of the duplicated region on protein function is unknown (Ambry internal data). Since supporting evidence is limited at this time, the clinical significance of this alteration remains unclear.

NM_000535.5:c.(537+1_538-1)_(2445+1_2446-1)dup

Gene: PMS2 (PMS1 homolog 2, mismatch repair system component; minus strand).
Variant type: Duplication.
Identifiers: ClinVar variation 1065543 (VCV001065543.2).